The following is an entry in ClinVar:

ClinVar aggregate classification (germline): Uncertain significance (1 of 4 stars; one submission).

Submission:

Ambry Genetics
Classification: Uncertain significance. Last evaluated: 2022-03-19. Review status: criteria provided, single submitter. Criteria: Ambry Variant Classification Scheme 2023. Collection method: clinical testing. Allele origin: germline.
Comment: The p.D1438N variant (also known as c.4312G>A), located in coding exon 12 of the MLH3 gene, results from a G to A substitution at nucleotide position 4312. The aspartic acid at codon 1438 is replaced by asparagine, an amino acid with highly similar properties. This amino acid position is conserved. In addition, this alteration is predicted to be tolerated by in silico analysis. Since supporting evidence is limited at this time, the clinical significance of this alteration remains unclear.

NM_001040108.2(MLH3):c.4312G>A (p.Asp1438Asn)

Gene: MLH3 (mutL homolog 3; minus strand). Cytogenetic location: 14q24.3.
Variant type: single nucleotide variant.
Coding change: c.4312G>A on transcript NM_001040108.2 (MANE Select); coding-DNA position 4312, G replaced by A.
Protein change: p.Asp1438Asn; replaces aspartic acid 1438 with asparagine.
Molecular consequence: missense variant.
Genome position (GRCh38, 1-based): chr14:75,017,132, C>T on the plus strand (G>A on the coding strand, the complement: MLH3 is on the minus strand). VCF-style: chr14-75017132-C-T. GRCh37 (hg19) VCF-style: chr14-75483835-C-T.
Other names: c.4240G>A, p.Asp1414Asn (NM_014381.3); short protein forms D1438N, D1414N.
Identifiers: ClinVar variation 1739642 (VCV001739642.2), dbSNP rs1595018889, ClinGen allele CA390417779.